The following is an entry in ClinVar:

NM_000083.3(CLCN1):c.1099del (p.Tyr367fs)

Gene: CLCN1 (chloride voltage-gated channel 1; plus strand). Cytogenetic location: 7q34.
Variant type: Deletion.
Coding change: c.1099del on transcript NM_000083.3 (MANE Select); coding-DNA position 1099, one base deleted (T; older notation c.1099delT).
Protein change: p.Tyr367fs; shifts the reading frame from tyrosine 367.
Molecular consequence: frameshift variant. On other transcripts: non-coding transcript variant (1).
Genome position (GRCh38, 1-based): chr7:143,331,585, T deleted. VCF-style (leftmost placement, unchanged base first): chr7-143331584-GT-G. GRCh37 (hg19) VCF-style: chr7-143028677-GT-G.
Other names: short protein forms Y367fs.
Identifiers: ClinVar variation 2580984 (VCV002580984.1), dbSNP rs2487060422, ClinGen allele CA2580618204.

ClinVar aggregate classification (germline): Likely pathogenic (1 of 4 stars; one submission).

Conditions:
Congenital myotonia, autosomal recessive form. Also called: Becker Generalized Myotonia; myotonia congenita, autosomal recessive; BECKER DISEASE. Identifiers: Orphanet 614, MedGen C0751360, MONDO:0009715, OMIM 255700.

Submission:

Dr. med. U. Finckh, Human Genetics, Eurofins MVZ
Classification: Likely pathogenic for Congenital myotonia, autosomal recessive form. Last evaluated: 2020-09-20. Review status: criteria provided, single submitter. Criteria: ACMG Guidelines, 2015. Collection method: clinical testing. Allele origin: paternal. Affected: no. Observed: 2 heterozygotes.
Comment: The 1bp deletion creates a frameshift leading to a premature stop signal and is expected to result in a non-functional gene product. The variant is not present in gnomAD. Taken together, we classify it as likely pathogenic.

Neither showed signs of myotonia. In concordance with other reports, this supports a pathogenic role of disruptive CLCN1 variants for recessive Myotonia congenita, but not for the dominant form of the disease.